The following is an entry in ClinVar:

ClinVar aggregate classification (germline): Uncertain significance (1 of 4 stars; one submission).

Conditions:
Hereditary cancer-predisposing syndrome. Also called: Tumor predisposition; Neoplastic Syndromes, Hereditary; Hereditary Cancer Syndrome; Hereditary neoplastic syndrome. Identifiers: Orphanet 140162, MedGen C0027672, MeSH D009386, MONDO:0015356.

Submission:

Ambry Genetics
Classification: Uncertain significance for Hereditary cancer-predisposing syndrome. Last evaluated: 2025-02-04. Review status: criteria provided, single submitter. Criteria: Ambry Variant Classification Scheme 2023. Collection method: clinical testing. Allele origin: germline.
Comment: The p.H566R variant (also known as c.1697A>G), located in coding exon 12 of the MSH3 gene, results from an A to G substitution at nucleotide position 1697. The histidine at codon 566 is replaced by arginine, an amino acid with highly similar properties. This amino acid position is conserved. In addition, the in silico prediction for this alteration is inconclusive. Based on the available evidence, the clinical significance of this variant remains unclear.

NM_002439.5(MSH3):c.1697A>G (p.His566Arg)

Gene: MSH3 (mutS homolog 3; plus strand). Cytogenetic location: 5q14.1.
Variant type: single nucleotide variant.
Coding change: c.1697A>G on transcript NM_002439.5 (MANE Select); coding-DNA position 1697, A replaced by G.
Protein change: p.His566Arg; replaces histidine 566 with arginine.
Molecular consequence: missense variant.
Genome position (GRCh38, 1-based): chr5:80,744,549, A>G. VCF-style: chr5-80744549-A-G. GRCh37 (hg19) VCF-style: chr5-80040368-A-G.
Other names: short protein forms H566R.
Identifiers: ClinVar variation 3874982 (VCV003874982.1).